The following is an entry in ClinVar:

NM_017662.5(TRPM6):c.1308+1G>T

Gene: TRPM6 (transient receptor potential cation channel subfamily M member 6; minus strand). Cytogenetic location: 9q21.13.
Variant type: single nucleotide variant.
Coding change: c.1308+1G>T on transcript NM_017662.5 (MANE Select); the canonical splice donor site of the intron after coding-DNA position 1308, G replaced by T.
Molecular consequence: splice donor variant.
Genome position (GRCh38, 1-based): chr9:74,816,668, C>A on the plus strand (G>T on the coding strand, the complement: TRPM6 is on the minus strand). VCF-style: chr9-74816668-C-A. GRCh37 (hg19) VCF-style: chr9-77431584-C-A.
Other names: c.1293+1G>T (NM_001177310.2, NM_001177311.2).
Identifiers: ClinVar variation 1705325 (VCV001705325.1), dbSNP rs2490067570, ClinGen allele CA373692313.

ClinVar aggregate classification (germline): Pathogenic (1 of 4 stars; one submission).

Conditions:
Intestinal hypomagnesemia 1. Also called: HYPOMAGNESEMIA, INTESTINAL, WITH SECONDARY HYPOCALCEMIA; HYPOMAGNESEMIC TETANY. Identifiers: Orphanet 30924, MedGen C1865974, MONDO:0011176, OMIM 602014.

Submission:

3billion
Classification: Pathogenic for Intestinal hypomagnesemia 1. Last evaluated: 2022-09-01. Review status: criteria provided, single submitter. Criteria: ACMG Guidelines, 2015. Collection method: clinical testing. Allele origin: germline. Affected: yes. Observed: 1 homozygote.
Comment: The variant is not observed in the gnomAD v2.1.1 dataset. Canonical splice site is predicted to alter splicing and result in a loss or disruption of normal protein function. Multiple pathogenic loss-of-function variants are reported downstream of the variant. Therefore, this variant is classified as Pathogenic according to the recommendation of ACMG/AMP guideline.